The following is an entry in ClinVar:

ClinVar aggregate classification (germline): Likely benign (1 of 4 stars; one submission).

Allele frequency attached by ClinVar (database versions not stated): 1000 Genomes Project 30x 0.00328; 1000 Genomes Project 0.00379; ExAC 0.00442; ESP Exome Variant Server 0.00496; gnomAD 0.00505; TOPMed 0.00548; gnomAD exomes 0.00595.

Submission:

CeGaT Center for Human Genetics Tuebingen
Classification: Likely benign. Last evaluated: 2022-11-01. Review status: criteria provided, single submitter. Criteria: CeGaT Center For Human Genetics Tuebingen Variant Classification Criteria Version 2. Collection method: clinical testing. Allele origin: germline. Affected: yes. Observed: 1 variant allele.
Comment: CEP126: BS2

NM_020802.4(CEP126):c.1501_1503del (p.Lys501del)

Gene: CEP126 (centrosomal protein 126; plus strand). Cytogenetic location: 11q22.1.
Variant type: Deletion.
Coding change: c.1501_1503del on transcript NM_020802.4 (MANE Select); coding-DNA positions 1501 to 1503, 3 bases deleted (AAA; older notation c.1501_1503delAAA).
Protein change: p.Lys501del; deletes lysine 501.
Molecular consequence: inframe deletion.
Genome position (GRCh38, 1-based): chr11:101,962,536-101,962,538, AAA deleted. VCF-style (leftmost placement, unchanged base first): chr11-101962535-TAAA-T. GRCh37 (hg19) VCF-style: chr11-101833266-TAAA-T.
Other names: c.904_906del, p.Lys302del (NM_001363543.2); short protein forms K302del, K501del.
Identifiers: ClinVar variation 2642314 (VCV002642314.24), dbSNP rs529950842, ClinGen allele CA6245488.